The following is an entry in ClinVar:

ClinVar aggregate classification (germline): Uncertain significance (1 of 4 stars; one submission).

Conditions:
Hyperammonemic encephalopathy due to carbonic anhydrase VA deficiency. Also called: Carbonic anhydrase VA deficiency, hyperammonemia due to; Carbonic Anhydrase VA Deficiency. Identifiers: Orphanet 401948, MedGen C4706871, MONDO:0014332, OMIM 615751.

Allele frequency attached by ClinVar (database versions not stated): gnomAD exomes 0.00001; ExAC 0.00003; TOPMed 0.00003; ESP Exome Variant Server 0.00008.
gnomAD v4.1: 25 of 1,556,590 alleles (0.0016%); highest among the groups gnomAD compares: South Asian, 0.006%; no homozygotes.

Submission:

Labcorp Genetics (formerly Invitae), Labcorp
Classification: Uncertain significance for Hyperammonemic encephalopathy due to carbonic anhydrase VA deficiency. Last evaluated: 2022-06-14. Review status: criteria provided, single submitter. Criteria: Invitae Variant Classification Sherloc (09022015). Collection method: clinical testing. Allele origin: germline.
Comment: In summary, the available evidence is currently insufficient to determine the role of this variant in disease. Therefore, it has been classified as a Variant of Uncertain Significance. Algorithms developed to predict the effect of missense changes on protein structure and function output the following: SIFT: "Tolerated"; PolyPhen-2: "Benign"; Align-GVGD: "Class C0". The asparagine amino acid residue is found in multiple mammalian species, which suggests that this missense change does not adversely affect protein function. ClinVar contains an entry for this variant (Variation ID: 858013). This variant has not been reported in the literature in individuals affected with CA5A-related conditions. The frequency data for this variant in the population databases is considered unreliable, as metrics indicate poor data quality at this position in the gnomAD database. This sequence change replaces aspartic acid, which is acidic and polar, with asparagine, which is neutral and polar, at codon 216 of the CA5A protein (p.Asp216Asn).

NM_001739.2(CA5A):c.646G>A (p.Asp216Asn)

Gene: CA5A (carbonic anhydrase 5A; minus strand). Cytogenetic location: 16q24.2.
Variant type: single nucleotide variant.
Coding change: c.646G>A on transcript NM_001739.2 (MANE Select); coding-DNA position 646, G replaced by A.
Protein change: p.Asp216Asn; replaces aspartic acid 216 with asparagine.
Molecular consequence: missense variant. On other transcripts: non-coding transcript variant (2).
Genome position (GRCh38, 1-based): chr16:87,891,927, C>T on the plus strand (G>A on the coding strand, the complement: CA5A is on the minus strand). VCF-style: chr16-87891927-C-T. GRCh37 (hg19) VCF-style: chr16-87925533-C-T.
Other names: c.646G>A, p.Asp216Asn (NM_001367225.1); short protein forms D216N.
Identifiers: ClinVar variation 858013 (VCV000858013.6), dbSNP rs370816330, ClinGen allele CA8223329.